The following is an entry in ClinVar:

ClinVar aggregate classification (germline): Benign (1 of 4 stars; one submission).

Conditions:
Hypohidrotic ectodermal dysplasia (HED). Identifiers: Orphanet 238468, MedGen C5848103, MONDO:0016535, HP:0007607.

Allele frequency attached by ClinVar (database versions not stated): TOPMed 0.00009; gnomAD below 0.00001 and 0.00068; gnomAD exomes 0.00115; 1000 Genomes Project 0.00399; 1000 Genomes Project 30x 0.00468.
gnomAD v4.1: 1,653 of 1,512,916 alleles (0.11%); highest among the groups gnomAD compares: South Asian, 1.8%; 26 homozygotes.

Submission:

Illumina Laboratory Services, Illumina
Classification: Benign for Hypohidrotic ectodermal dysplasia. Last evaluated: 2018-01-13. Review status: criteria provided, single submitter. Criteria: ICSL Variant Classification Criteria 13 December 2019. Collection method: clinical testing. Allele origin: germline.
Comment: This variant was observed in the ICSL laboratory as part of a predisposition screen in an ostensibly healthy population. It had not been previously curated by ICSL or reported in the Human Gene Mutation Database (HGMD: prior to June 1st, 2018), and was therefore a candidate for classification through an automated scoring system. Utilizing variant allele frequency, disease prevalence and penetrance estimates, and inheritance mode, an automated score was calculated to assess if this variant is too frequent to cause the disease. Based on the score and internal cut-off values, a variant classified as benign is not then subjected to further curation. The score for this variant resulted in a classification of benign for this disease.

NM_145861.4(EDARADD):c.*956C>T

Gene: EDARADD (EDAR associated via death domain; plus strand). Cytogenetic location: 1q43.
Variant type: single nucleotide variant.
Coding change: c.*956C>T on transcript NM_145861.4 (MANE Select); 956 bases downstream of the stop codon, C replaced by T.
Molecular consequence: 3 prime UTR variant.
Genome position (GRCh38, 1-based): chr1:236,483,605, C>T. VCF-style: chr1-236483605-C-T. GRCh37 (hg19) VCF-style: chr1-236646905-C-T.
Other names: c.*956C>T (NM_001422628.1, NM_080738.5).
Identifiers: ClinVar variation 876109 (VCV000876109.4), dbSNP rs201986008, ClinGen allele CA39702925.